The following is an entry in ClinVar:

ClinVar aggregate classification (germline): Conflicting classifications of pathogenicity. Review status: criteria provided, conflicting classifications (1 of 4 stars). 2 submissions from 2 submitters: Uncertain significance (1); Likely benign (1). Last evaluated 2023-03-23.

Conditions:
Hereditary cancer-predisposing syndrome. Also called: Tumor predisposition; Neoplastic Syndromes, Hereditary; Hereditary Cancer Syndrome; Hereditary neoplastic syndrome. Identifiers: Orphanet 140162, MedGen C0027672, MeSH D009386, MONDO:0015356.
Hereditary breast ovarian cancer syndrome. Also called: Hereditary breast and ovarian cancer syndrome (HBOC); Breast and ovarian cancer; BRCA1- and BRCA2-Associated Hereditary Breast and Ovarian Cancer; Hereditary breast and ovarian cancer; Hereditary breast and ovarian cancer syndrome; Hereditary breast and/or ovarian cancer syndrome. Identifiers: Orphanet 145, MedGen C0677776, MeSH D061325, MONDO:0003582. Disease mechanism: loss of function.

Submissions (2):

University of Washington Department of Laboratory Medicine, University of Washington
Classification: Likely benign for Hereditary cancer-predisposing syndrome. Last evaluated: 2023-03-23. Review status: criteria provided, single submitter. Criteria: Dines et al. (Genet Med. 2020). Collection method: curation. Allele origin: germline.
Comment: Missense variant in a coldspot region where missense variants are very unlikely to be pathogenic (PMID:31911673).

BRCA1 coldspot (exon 11 using historical exon numbering). Reclassification based on statistical prior probability

Labcorp Genetics (formerly Invitae), Labcorp
Classification: Uncertain significance for Hereditary breast ovarian cancer syndrome. Last evaluated: 2021-10-02. Review status: criteria provided, single submitter. Criteria: Invitae Variant Classification Sherloc (09022015). Collection method: clinical testing. Allele origin: germline.
Comment: In summary, the available evidence is currently insufficient to determine the role of this variant in disease. Therefore, it has been classified as a Variant of Uncertain Significance. Advanced modeling of protein sequence and biophysical properties (such as structural, functional, and spatial information, amino acid conservation, physicochemical variation, residue mobility, and thermodynamic stability) performed at Invitae indicates that this missense variant is not expected to disrupt BRCA1 protein function. This variant has not been reported in the literature in individuals affected with BRCA1-related conditions. This variant is not present in population databases (ExAC no frequency). This sequence change replaces histidine with glutamine at codon 971 of the BRCA1 protein (p.His971Gln). The histidine residue is weakly conserved and there is a small physicochemical difference between histidine and glutamine.

NM_007294.4(BRCA1):c.2913T>A (p.His971Gln)

Gene: BRCA1 (BRCA1 DNA repair associated; minus strand). Cytogenetic location: 17q21.31.
Variant type: single nucleotide variant.
Coding change: c.2913T>A on transcript NM_007294.4 (MANE Select); coding-DNA position 2913, T replaced by A.
Protein change: p.His971Gln; replaces histidine 971 with glutamine.
Molecular consequence: missense variant. On other transcripts: intron variant (137).
Genome position (GRCh38, 1-based): chr17:43,092,618, A>T on the plus strand (T>A on the coding strand, the complement: BRCA1 is on the minus strand). VCF-style: chr17-43092618-A-T. GRCh37 (hg19) VCF-style: chr17-41244635-A-T.
Other names: c.2835T>A, p.His945Gln (NM_001407653.1, NM_001407654.1, NM_001407655.1 and 4 more transcripts); c.2772T>A, p.His924Gln (NM_001407752.1, NM_001407850.1, NM_001407851.1 and 29 more transcripts); c.2769T>A, p.His923Gln (NM_001407838.1, NM_001407839.1, NM_001407841.1 and 20 more transcripts); c.2832T>A, p.His944Gln (NM_001407659.1, NM_001407660.1, NM_001407661.1 and 1 more transcripts); c.2790T>A, p.His930Gln (NM_001407664.1, NM_001407665.1, NM_001407666.1 and 19 more transcripts); c.2703T>A, p.His901Gln (NM_001407884.1, NM_001407885.1, NM_001407879.1 and 13 more transcripts); c.2700T>A, p.His900Gln (NM_001407853.1, NM_001407571.1, NM_001407894.1 and 9 more transcripts); c.2913T>A, p.His971Gln (NM_001407854.1, NM_001407858.1, NM_001407859.1 and 30 more transcripts); and 41 more; short protein forms H971Q, H924Q, H843Q, H859Q, H860Q, H901Q, H904Q, H970Q.
Identifiers: ClinVar variation 1384181 (VCV001384181.9), dbSNP rs786203804, ClinGen allele CA10596166.